The following is an entry in ClinVar:

NM_003280.3(TNNC1):c.*8C>T

Gene: TNNC1 (troponin C1, slow skeletal and cardiac type; minus strand). Cytogenetic location: 3p21.1.
Variant type: single nucleotide variant.
Coding change: c.*8C>T on transcript NM_003280.3 (MANE Select); 8 bases downstream of the stop codon, C replaced by T.
Molecular consequence: 3 prime UTR variant.
Genome position (GRCh38, 1-based): chr3:52,451,267, G>A on the plus strand (C>T on the coding strand, the complement: TNNC1 is on the minus strand). VCF-style: chr3-52451267-G-A. GRCh37 (hg19) VCF-style: chr3-52485283-G-A.
Other names: c.*8C>T (NM_003280.2).
Identifiers: ClinVar variation 1310003 (VCV001310003.4), dbSNP rs760637468, ClinGen allele CA2438471.

ClinVar aggregate classification (germline): Uncertain significance. Review status: criteria provided, single submitter (1 of 4 stars). 2 submissions from 2 submitters: Uncertain significance (1). 1 of the submissions does not count toward it. Last evaluated 2019-11-04.

Conditions:
TNNC1-related disorder. Also called: TNNC1-related condition.

Allele frequency attached by ClinVar (database versions not stated): gnomAD 0.00001 and 0.00003; ExAC 0.00002; gnomAD exomes 0.00002; TOPMed 0.00002.
gnomAD v4.1: 15 of 1,613,964 alleles (0.00093%); highest among the groups gnomAD compares: Admixed American, 0.005%; no homozygotes.

Submissions (2):

GeneDx
Classification: Uncertain significance. Last evaluated: 2019-11-04. Review status: criteria provided, single submitter. Criteria: GeneDx Variant Classification Process June 2021. Collection method: clinical testing. Allele origin: germline. Affected: yes.
Comment: Has not been previously published as pathogenic or benign to our knowledge; Not observed at a significant frequency in large population cohorts (Lek et al., 2016); Located in the 3' untranslated region, no variants in this region of the TNNC1 gene have been reported in HGMD in association with cardiomyopathy (Stenson et al., 2014)

PreventionGenetics, part of Exact Sciences
Classification: Likely benign for TNNC1-related condition. Last evaluated: 2020-04-13. Review status: no assertion criteria provided. Collection method: clinical testing. Allele origin: germline. Not counted in ClinVar's aggregate classification.
Comment: This variant is classified as likely benign based on ACMG/AMP sequence variant interpretation guidelines (Richards et al. 2015 PMID: 25741868, with internal and published modifications).